The following is an entry in ClinVar:

NM_000384.3(APOB):c.11911G>A (p.Glu3971Lys)

Gene: APOB (apolipoprotein B; minus strand). Cytogenetic location: 2p24.1.
Variant type: single nucleotide variant.
Coding change: c.11911G>A on transcript NM_000384.3 (MANE Select); coding-DNA position 11911, G replaced by A.
Protein change: p.Glu3971Lys; replaces glutamic acid 3971 with lysine.
Molecular consequence: missense variant.
Genome position (GRCh38, 1-based): chr2:21,004,445, C>T on the plus strand (G>A on the coding strand, the complement: APOB is on the minus strand). VCF-style: chr2-21004445-C-T. GRCh37 (hg19) VCF-style: chr2-21227317-C-T.
Other names: short protein forms E3971K.
Identifiers: ClinVar variation 334088 (VCV000334088.32), dbSNP rs373477107, ClinGen allele CA048206.
Genomic context (GRCh38, chr2:21,004,445, plus strand): 5'-GGTAGCGCAGATGGAGATCGGTGAACGCTGGGCTTTTGATATTGAGGTGCGCTTTTCCTT[C>T]CCATTCCCTGAAAGCAGAAAAACAGATGAGCTATCACGAAAGGGGTATGGAGATGAAGAA-3'
Protein context (NP_000375.3, residues 3961-3981): DGKYEGLQEW[Glu3971Lys]GKAHLNIKSP

ClinVar aggregate classification (germline): Likely benign. Review status: criteria provided, multiple submitters, no conflicts (2 of 4 stars). 4 submissions from 4 submitters: Likely benign (4). Last evaluated 2026-05-26.

Conditions:
Hypercholesterolemia, autosomal dominant, type B (FHCL2). Also called: Familial Hypercholesterolemia Type B; APOLIPOPROTEIN B-100, FAMILIAL DEFECTIVE; APOLIPOPROTEIN B-100, FAMILIAL LIGAND-DEFECTIVE; HYPERCHOLESTEROLEMIA, FAMILIAL, DUE TO LIGAND-DEFECTIVE APOLIPOPROTEIN B; APOB-Related Familial Hypercholesterolemia, Autosomal Dominant; Familial hypercholesterolemia 2. Identifiers: MedGen C1704417, MONDO:0007751, OMIM 144010.
Familial hypobetalipoproteinemia 1. Also called: Hypobetalipoproteinemia, normotriglyceridemic; Acanthocytosis with hypobetalipoproteinemia; APOB-Related Familial Hypobetalipoproteinemia. Identifiers: MedGen C4551990, MONDO:0014252, OMIM 615558.
Cardiovascular phenotype. Identifiers: MedGen CN230736.

Allele frequency attached by ClinVar (database versions not stated): ExAC 0.00002; gnomAD exomes 0.00002 and 0.00005; TOPMed 0.00002; ESP Exome Variant Server 0.00008; gnomAD 0.00009 and 0.00010.
gnomAD v4.1: 87 of 1,613,878 alleles (0.0054%); highest among the groups gnomAD compares: Non-Finnish European, 0.0072%; 1 homozygote.

Submissions (4):

Ambry Genetics
Classification: Likely benign for Cardiovascular phenotype. Last evaluated: 2026-05-26. Review status: criteria provided, single submitter. Criteria: Ambry Variant Classification Scheme 2023. Collection method: clinical testing. Allele origin: germline.

Labcorp Genetics (formerly Invitae), Labcorp
Classification: Likely benign for Familial hypobetalipoproteinemia 1; Hypercholesterolemia, autosomal dominant, type B. Last evaluated: 2026-01-26. Review status: criteria provided, single submitter. Criteria: Invitae Variant Classification Sherloc (09022015). Collection method: clinical testing. Allele origin: germline.

Blueprint Genetics
Classification: Likely benign. Last evaluated: 2024-11-18. Review status: criteria provided, single submitter. Criteria: ACMG Guidelines, 2015. Collection method: clinical testing. Allele origin: germline.

Laboratory for Molecular Medicine, Mass General Brigham Personalized Medicine
Classification: Likely benign. Last evaluated: 2017-12-22. Review status: criteria provided, single submitter. Criteria: ACMG Guidelines, 2015. Collection method: clinical testing. Allele origin: germline.
Comment: p.Glu3971Lys in exon 28 of APOB: This variant is not expected to have clinical significance due to a lack of conservation across species, including mammals. Of note, 11 have a Lysine (Lys) at this position, supporting that this change may be tolerated. Additional computational prediction tools also suggest that the p.Glu3971Lys variant may not impact the protein. This variant has been identified in 15/126558 European chromosomes by the Genome Aggregation Database (gnomAD; dbSNP rs373477107) and is present in ClinVar (Variant ID:334088). In summary, this variant is likely benign. ACMG/AMP Criteria applied: BP4_strong.